The following is an entry in ClinVar:

ClinVar aggregate classification (germline): Uncertain significance. Review status: criteria provided, multiple submitters, no conflicts (2 of 4 stars). 2 submissions from 2 submitters: Uncertain significance (2). Last evaluated 2023-06-14.

Conditions:
Juvenile polyposis syndrome (JPS). Identifiers: Orphanet 2929, MedGen C0345893, MONDO:0017380, OMIM 174900.
Hereditary cancer-predisposing syndrome. Also called: Hereditary Cancer Syndrome; Neoplastic Syndromes, Hereditary; Hereditary neoplastic syndrome; Tumor predisposition. Identifiers: Orphanet 140162, MedGen C0027672, MeSH D009386, MONDO:0015356.

Submissions (2):

Ambry Genetics
Classification: Uncertain significance for Hereditary cancer-predisposing syndrome. Last evaluated: 2023-06-14. Review status: criteria provided, single submitter. Criteria: Ambry Variant Classification Scheme 2023. Collection method: clinical testing. Allele origin: germline.
Comment: The p.N79S variant (also known as c.236A>G), located in coding exon 3 of the BMPR1A gene, results from an A to G substitution at nucleotide position 236. The asparagine at codon 79 is replaced by serine, an amino acid with highly similar properties. This amino acid position is highly conserved in available vertebrate species. In addition, this alteration is predicted to be tolerated by in silico analysis. Since supporting evidence is limited at this time, the clinical significance of this alteration remains unclear.

Labcorp Genetics (formerly Invitae), Labcorp
Classification: Uncertain significance for Juvenile polyposis syndrome. Last evaluated: 2022-04-17. Review status: criteria provided, single submitter. Criteria: Invitae Variant Classification Sherloc (09022015). Collection method: clinical testing. Allele origin: germline.
Comment: This sequence change replaces asparagine, which is neutral and polar, with serine, which is neutral and polar, at codon 79 of the BMPR1A protein (p.Asn79Ser). In summary, the available evidence is currently insufficient to determine the role of this variant in disease. Therefore, it has been classified as a Variant of Uncertain Significance. Algorithms developed to predict the effect of sequence changes on RNA splicing suggest that this variant may create or strengthen a splice site. Advanced modeling of protein sequence and biophysical properties (such as structural, functional, and spatial information, amino acid conservation, physicochemical variation, residue mobility, and thermodynamic stability) performed at Invitae indicates that this missense variant is not expected to disrupt BMPR1A protein function. ClinVar contains an entry for this variant (Variation ID: 821164). This variant has not been reported in the literature in individuals affected with BMPR1A-related conditions. This variant is not present in population databases (gnomAD no frequency).

NM_004329.3(BMPR1A):c.236A>G (p.Asn79Ser)

Gene: BMPR1A (bone morphogenetic protein receptor type 1A; plus strand). Cytogenetic location: 10q23.2.
Variant type: single nucleotide variant.
Coding change: c.236A>G on transcript NM_004329.3 (MANE Select); coding-DNA position 236, A replaced by G.
Protein change: p.Asn79Ser; replaces asparagine 79 with serine.
Molecular consequence: missense variant.
Genome position (GRCh38, 1-based): chr10:86,892,132, A>G. VCF-style: chr10-86892132-A-G. GRCh37 (hg19) VCF-style: chr10-88651889-A-G.
Other names: short protein forms N79S.
Identifiers: ClinVar variation 821164 (VCV000821164.14), dbSNP rs1589764258, ClinGen allele CA377447900.